The following is an entry in ClinVar:

NM_201525.4(ADGRG1):c.531C>A (p.Cys177Ter)

Gene: ADGRG1 (adhesion G protein-coupled receptor G1; plus strand). Cytogenetic location: 16q21.
Variant type: single nucleotide variant.
Coding change: c.531C>A on transcript NM_201525.4 (MANE Select); coding-DNA position 531, C replaced by A.
Protein change: p.Cys177Ter; replaces cysteine 177 with a stop codon.
Molecular consequence: nonsense. On other transcripts: intron variant (1).
Genome position (GRCh38, 1-based): chr16:57,653,246, C>A. VCF-style: chr16-57653246-C-A. GRCh37 (hg19) VCF-style: chr16-57687158-C-A.
Other names: c.531C>A, p.Cys177Ter (NM_001145772.3, NM_001145774.3, NM_001370428.1 and 16 more transcripts); c.546C>A, p.Cys182Ter (NM_001145773.3, NM_001370433.1); c.6C>A, p.Cys2Ter (NM_001290143.2, NM_001290144.2, NM_001370451.1 and 2 more transcripts); c.375C>A, p.Cys125Ter (NM_001370442.1); c.111-740C>A (NM_001290142.2); short protein forms C182*, C125*, C177*, C2*.
Identifiers: ClinVar variation 1451570 (VCV001451570.7), dbSNP rs774109607, ClinGen allele CA8078416.

ClinVar aggregate classification (germline): Pathogenic/Likely pathogenic. Review status: criteria provided, multiple submitters, no conflicts (2 of 4 stars). 2 submissions from 2 submitters: Pathogenic (1); Likely pathogenic (1). Last evaluated 2024-03-27.

Conditions:
Bilateral frontoparietal polymicrogyria. Also called: CEREBELLAR ATAXIA WITH NEURONAL MIGRATION DEFECT; CORTICAL DYSPLASIA, COMPLEX, WITH OTHER BRAIN MALFORMATIONS 14A (BILATERAL FRONTOPARIETAL). Identifiers: Orphanet 101070, MedGen C1847352, MONDO:0011738, OMIM 606854.
Polymicrogyria, bilateral perisylvian, autosomal recessive (CDCBM14B). Also called: CORTICAL DYSPLASIA, COMPLEX, WITH OTHER BRAIN MALFORMATIONS 14B (BILATERAL PERISYLVIAN). Identifiers: MedGen C3810405, MONDO:0014333, OMIM 615752.

Allele frequency attached by ClinVar (database versions not stated): ExAC 0.00001.
gnomAD v4.1: 1 of 1,612,306 alleles (0.000062%); highest among the groups gnomAD compares: Non-Finnish European, 0.000085%; no homozygotes.

Submissions (2):

Fulgent Genetics
Classification: Likely pathogenic for Bilateral frontoparietal polymicrogyria; Polymicrogyria, bilateral perisylvian, autosomal recessive. Last evaluated: 2024-03-27. Review status: criteria provided, single submitter. Criteria: ACMG Guidelines, 2015. Collection method: clinical testing. Allele origin: germline.

Labcorp Genetics (formerly Invitae), Labcorp
Classification: Pathogenic. Last evaluated: 2023-03-28. Review status: criteria provided, single submitter. Criteria: Invitae Variant Classification Sherloc (09022015). Collection method: clinical testing. Allele origin: germline.
Comment: For these reasons, this variant has been classified as Pathogenic. This sequence change creates a premature translational stop signal (p.Cys177*) in the ADGRG1 gene. It is expected to result in an absent or disrupted protein product. Loss-of-function variants in ADGRG1 are known to be pathogenic (PMID: 15044805, 20929962). This variant is present in population databases (rs774109607, gnomAD 0.006%). This variant has not been reported in the literature in individuals affected with ADGRG1-related conditions. ClinVar contains an entry for this variant (Variation ID: 1451570).

Literature cited by the submitters: PubMed 15044805 (cited by Labcorp Genetics (formerly Invitae), Labcorp); PubMed 20929962 (cited by Labcorp Genetics (formerly Invitae), Labcorp).